The following is an entry in ClinVar:

NM_001161352.2(KCNMA1):c.12_17dup (p.Gly10_Ser11insGlyGly)

Gene: KCNMA1 (potassium calcium-activated channel subfamily M alpha 1; minus strand). Cytogenetic location: 10q22.3.
Variant type: Duplication.
Coding change: c.12_17dup on transcript NM_001161352.2 (MANE Select); coding-DNA positions 12 to 17, 6 bases duplicated (TGGCGG; older notation c.12_17dupTGGCGG).
Protein change: p.Gly10_Ser11insGlyGly.
Molecular consequence: inframe insertion.
Genome position (GRCh38, 1-based): chr10:77,637,626-77,637,631, CCGCCA duplicated on the plus strand (TGGCGG on the coding strand, the reverse complement: KCNMA1 is on the minus strand); duplicating any 6 consecutive bases within chr10:77,637,626-77,637,633 gives the same sequence; the c. name uses the placement nearest the transcript's 3' end. VCF-style (leftmost placement, unchanged base first): chr10-77637625-G-GCCGCCA. GRCh37 (hg19) VCF-style: chr10-79397383-G-GCCGCCA.
Other names: c.12_17dup, p.Gly10_Ser11insGlyGly (NM_001014797.3, NM_001161353.2, NM_001271518.2 and 13 more transcripts).
Identifiers: ClinVar variation 2897078 (VCV002897078.3), dbSNP rs2093906615, ClinGen allele CA930199360.

ClinVar aggregate classification (germline): Uncertain significance (1 of 4 stars; one submission).

Conditions:
Generalized epilepsy-paroxysmal dyskinesia syndrome (PNKD3). Also called: Generalized epilepsy and paroxysmal dyskinesia; Paroxysmal nonkinesigenic dyskinesia, 3, with or without generalized epilepsy. Identifiers: Orphanet 79137, MedGen C5574945, MONDO:0012276, OMIM 609446.

Submission:

Labcorp Genetics (formerly Invitae), Labcorp
Classification: Uncertain significance for Generalized epilepsy-paroxysmal dyskinesia syndrome. Last evaluated: 2025-09-03. Review status: criteria provided, single submitter. Criteria: Invitae Variant Classification Sherloc (09022015). Collection method: clinical testing. Allele origin: germline.
Comment: This variant, c.12_17dup, results in the insertion of 2 amino acid(s) of the KCNMA1 protein (p.Gly9_Gly10dup), but otherwise preserves the integrity of the reading frame. This variant is not present in population databases (gnomAD no frequency). This variant has not been reported in the literature in individuals affected with KCNMA1-related conditions. ClinVar contains an entry for this variant (Variation ID: 2897078). In summary, the available evidence is currently insufficient to determine the role of this variant in disease. Therefore, it has been classified as a Variant of Uncertain Significance.